The following is an entry in ClinVar:

ClinVar aggregate classification (germline): Likely benign. Review status: criteria provided, multiple submitters, no conflicts (2 of 4 stars). 5 submissions from 5 submitters: Likely benign (4). 1 of the submissions does not count toward it. Last evaluated 2026-03-01.

Conditions:
VPS13A-related neurodegenerative disease. Also called: ACANTHOCYTOSIS WITH NEUROLOGIC DISORDER; Choreoacanthocytosis; Chorea-acanthocytosis; Choreaacanthocytosis; LEVINE-CRITCHLEY SYNDROME; VPS13A Disease. Identifiers: Orphanet 2388, MedGen C0393576, MONDO:0008695, OMIM 200150.

Allele frequency attached by ClinVar (database versions not stated): gnomAD 0.00013; ESP Exome Variant Server 0.00015; TOPMed 0.00025.
gnomAD v4.1: 212 of 1,609,036 alleles (0.013%); highest among the groups gnomAD compares: Middle Eastern, 0.034%; no homozygotes.

Submissions (5):

CeGaT Center for Human Genetics Tuebingen
Classification: Likely benign. Last evaluated: 2026-03-01. Review status: criteria provided, single submitter. Criteria: CeGaT Center For Human Genetics Tuebingen Variant Classification Criteria Version 2. Collection method: clinical testing. Allele origin: germline. Affected: yes. Observed: 1 variant allele.
Comment: VPS13A: BP4, BP7

Labcorp Genetics (formerly Invitae), Labcorp
Classification: Likely benign. Last evaluated: 2026-01-28. Review status: criteria provided, single submitter. Criteria: Invitae Variant Classification Sherloc (09022015). Collection method: clinical testing. Allele origin: germline.

Blueprint Genetics
Classification: Likely benign. Last evaluated: 2024-11-05. Review status: criteria provided, single submitter. Criteria: ACMG Guidelines, 2015. Collection method: clinical testing. Allele origin: germline.

Breakthrough Genomics
Classification: Likely benign. Review status: criteria provided, single submitter. Criteria: ACMG Guidelines, 2015. Collection method: not provided. Allele origin: germline. Inheritance: Autosomal recessive inheritance. Affected: yes.

Natera, Inc.
Classification: Likely benign for Choreaacanthocytosis. Last evaluated: 2021-07-28. Review status: no assertion criteria provided. Collection method: clinical testing. Allele origin: germline. Not counted in ClinVar's aggregate classification.

NM_033305.3(VPS13A):c.126A>G (p.Gln42=)

Gene: VPS13A (vacuolar protein sorting 13 homolog A; plus strand). Cytogenetic location: 9q21.2.
Variant type: single nucleotide variant.
Coding change: c.126A>G on transcript NM_033305.3 (MANE Select); coding-DNA position 126, A replaced by G.
Protein change: p.Gln42=; no amino-acid change (glutamine 42 retained).
Molecular consequence: synonymous variant.
Genome position (GRCh38, 1-based): chr9:77,199,970, A>G. VCF-style: chr9-77199970-A-G. GRCh37 (hg19) VCF-style: chr9-79814886-A-G.
Other names: c.126A>G, p.Gln42= (NM_001018037.2, NM_001018038.3, NM_015186.4).
Identifiers: ClinVar variation 698510 (VCV000698510.17), dbSNP rs140518771, ClinGen allele CA5091229.